The following is an entry in ClinVar:

NM_001130438.3(SPTAN1):c.2863_2864delinsAT (p.Ser955Ile)

Gene: SPTAN1 (spectrin alpha, non-erythrocytic 1; plus strand). Cytogenetic location: 9q34.11.
Variant type: Indel.
Coding change: c.2863_2864delinsAT on transcript NM_001130438.3 (MANE Select); coding-DNA positions 2863 to 2864, TC replaced by AT.
Protein change: p.Ser955Ile; replaces serine 955 with isoleucine.
Molecular consequence: missense variant.
Genome position (GRCh38, 1-based): chr9:128,587,690-128,587,691, TC replaced by AT. VCF-style: chr9-128587690-TC-AT. GRCh37 (hg19) VCF-style: chr9-131349969-TC-AT.
Other names: c.2863_2864delinsAT, p.Ser955Ile (NM_001195532.2, NM_001363759.2, NM_001363765.2 and 5 more transcripts); c.2899_2900delinsAT, p.Ser967Ile (NM_001375312.2, NM_001375318.1); short protein forms S967I, S955I.
Identifiers: ClinVar variation 3641126 (VCV003641126.2).

ClinVar aggregate classification (germline): Uncertain significance (1 of 4 stars; one submission).

Conditions:
Early-infantile DEE. Also called: Early infantile epileptic encephalopathy; Ohtahara syndrome; Early infantile epileptic encephalopathy with suppression bursts. Identifiers: Orphanet 1934, MedGen C0393706, MONDO:0800491.

Submission:

Labcorp Genetics (formerly Invitae), Labcorp
Classification: Uncertain significance for Early-infantile DEE. Last evaluated: 2024-05-23. Review status: criteria provided, single submitter. Criteria: Invitae Variant Classification Sherloc (09022015). Collection method: clinical testing. Allele origin: germline.
Comment: This sequence change replaces serine, which is neutral and polar, with isoleucine, which is neutral and non-polar, at codon 955 of the SPTAN1 protein (p.Ser955Ile). Information on the frequency of this variant in the gnomAD database is not available, as this variant may be reported differently in the database. This variant has not been reported in the literature in individuals affected with SPTAN1-related conditions. An algorithm developed to predict the effect of missense changes on protein structure and function (PolyPhen-2) suggests that this variant is likely to be tolerated. In summary, the available evidence is currently insufficient to determine the role of this variant in disease. Therefore, it has been classified as a Variant of Uncertain Significance.